The following is an entry in ClinVar:

ClinVar aggregate classification (germline): Uncertain significance (1 of 4 stars; one submission).

Conditions:
Inborn genetic diseases. Identifiers: MedGen C0950123, MeSH D030342.

gnomAD v4.1: 1 of 1,614,106 alleles (0.000062%); highest among the groups gnomAD compares: African/African-American, 0.0013%; no homozygotes.

Submission:

Ambry Genetics
Classification: Uncertain significance for Inborn genetic diseases. Last evaluated: 2026-06-22. Review status: criteria provided, single submitter. Criteria: Ambry Variant Classification Scheme 2023. Collection method: clinical testing. Allele origin: germline.
Comment: The p.E441A variant (also known as c.1322A>C), located in coding exon 12 of the AKT1 gene, results from an A to C substitution at nucleotide position 1322. The glutamic acid at codon 441 is replaced by alanine, an amino acid with dissimilar properties. This amino acid position is conserved. In addition, the in silico prediction for this alteration is inconclusive. Based on the available evidence, the clinical significance of this variant remains unclear.

NM_001382430.1(AKT1):c.1322A>C (p.Glu441Ala)

Gene: AKT1 (AKT serine/threonine kinase 1; minus strand). Cytogenetic location: 14q32.33.
Variant type: single nucleotide variant.
Coding change: c.1322A>C on transcript NM_001382430.1 (MANE Select); coding-DNA position 1322, A replaced by C.
Protein change: p.Glu441Ala; replaces glutamic acid 441 with alanine.
Molecular consequence: missense variant.
Genome position (GRCh38, 1-based): chr14:104,770,786, T>G on the plus strand (A>C on the coding strand, the complement: AKT1 is on the minus strand). VCF-style: chr14-104770786-T-G. GRCh37 (hg19) VCF-style: chr14-105237123-T-G.
Other names: c.1322A>C, p.Glu441Ala (NM_001014431.2, NM_001014432.2, NM_001382431.1 and 3 more transcripts); short protein forms E441A.
Identifiers: ClinVar variation 5034326 (VCV005034326.1).